The following is an entry in ClinVar:

NM_001134407.3(GRIN2A):c.3308G>A (p.Arg1103His)

Gene: GRIN2A (glutamate ionotropic receptor NMDA type subunit 2A; minus strand). Cytogenetic location: 16p13.2.
Variant type: single nucleotide variant.
Coding change: c.3308G>A on transcript NM_001134407.3 (MANE Select); coding-DNA position 3308, G replaced by A.
Protein change: p.Arg1103His; replaces arginine 1103 with histidine.
Molecular consequence: missense variant.
Genome position (GRCh38, 1-based): chr16:9,764,236, C>T on the plus strand (G>A on the coding strand, the complement: GRIN2A is on the minus strand). VCF-style: chr16-9764236-C-T. GRCh37 (hg19) VCF-style: chr16-9858093-C-T.
Other names: c.3308G>A, p.Arg1103His (NM_000833.5, NM_001134408.2); short protein forms R1103H.
Identifiers: ClinVar variation 424309 (VCV000424309.2), dbSNP rs1064796904, ClinGen allele CA16620317.

ClinVar aggregate classification (germline): Uncertain significance (1 of 4 stars; one submission).

Allele frequency attached by ClinVar (database versions not stated): gnomAD exomes below 0.00001; gnomAD 0.00001.
gnomAD v4.1: 15 of 1,613,574 alleles (0.00093%); highest among the groups gnomAD compares: Middle Eastern, 0.016%; no homozygotes.

Submission:

GeneDx
Classification: Uncertain significance. Last evaluated: 2017-03-14. Review status: criteria provided, single submitter. Criteria: GeneDx Variant Classification (06012015). Collection method: clinical testing. Allele origin: germline. Affected: yes.
Comment: A variant of uncertain significance has been identified in the GRIN2A gene. The R1103H variant has not been published as a pathogenic variant, nor has it been reported as a benign variant to our knowledge. The R1103H variant is not observed in large population cohorts (Lek et al., 2016; 1000 Genomes Consortium et al., 2015; Exome Variant Server). The R1103H variant is a conservative amino acid substitution, which is not likely to impact secondary protein structure as these residues share similar properties. This substitution occurs at a position that is not conserved. In silico analysis is inconsistent in its predictions as to whether or not the variant is damaging to the protein structure/function. Based on the currently available information, it is unclear whether this variant is a pathogenic variant or a rare benign variant.